The following is an entry in ClinVar:

ClinVar aggregate classification (germline): Likely benign (1 of 4 stars; one submission).

Allele frequency attached by ClinVar (database versions not stated): TOPMed below 0.00001; gnomAD 0.00001; gnomAD exomes 0.00001; ExAC 0.00002.
gnomAD v4.1: 15 of 1,613,756 alleles (0.00093%); highest among the groups gnomAD compares: East Asian, 0.0022%; no homozygotes.

Submission:

CeGaT Center for Human Genetics Tuebingen
Classification: Likely benign. Last evaluated: 2022-08-01. Review status: criteria provided, single submitter. Criteria: CeGaT Center For Human Genetics Tuebingen Variant Classification Criteria Version 2. Collection method: clinical testing. Allele origin: germline. Affected: yes. Observed: 1 variant allele.
Comment: SMARCA2: BP4

NM_003070.5(SMARCA2):c.761C>T (p.Pro254Leu)

Gene: SMARCA2 (SWI/SNF related BAF chromatin remodeling complex subunit ATPase 2; plus strand). Cytogenetic location: 9p24.3.
Variant type: single nucleotide variant.
Coding change: c.761C>T on transcript NM_003070.5 (MANE Select); coding-DNA position 761, C replaced by T.
Protein change: p.Pro254Leu; replaces proline 254 with leucine.
Molecular consequence: missense variant.
Genome position (GRCh38, 1-based): chr9:2,039,871, C>T. VCF-style: chr9-2039871-C-T. GRCh37 (hg19) VCF-style: chr9-2039871-C-T.
Other names: c.761C>T, p.Pro254Leu (NM_001289396.2, NM_001289397.2, NM_139045.4); short protein forms P254L.
Identifiers: ClinVar variation 2659029 (VCV002659029.23), dbSNP rs756891197, ClinGen allele CA4962996.